The following is an entry in ClinVar:

ClinVar aggregate classification (germline): Uncertain significance (1 of 4 stars; one submission).

Conditions:
Severe combined immunodeficiency due to DNA-PKcs deficiency. Also called: Immunodeficiency 26 with or without neurologic abnormalities; IMMUNODEFICIENCY 26 WITH NEUROLOGIC ABNORMALITIES. Identifiers: Orphanet 317425, MedGen C4014833, MONDO:0014423, OMIM 615966.

gnomAD v4.1: 1 of 1,552,374 alleles (0.000064%); highest among the groups gnomAD compares: Non-Finnish European, 0.000088%; no homozygotes.

Submission:

Labcorp Genetics (formerly Invitae), Labcorp
Classification: Uncertain significance for Severe combined immunodeficiency due to DNA-PKcs deficiency. Last evaluated: 2022-05-03. Review status: criteria provided, single submitter. Criteria: Invitae Variant Classification Sherloc (09022015). Collection method: clinical testing. Allele origin: germline.
Comment: This sequence change replaces threonine, which is neutral and polar, with arginine, which is basic and polar, at codon 1663 of the PRKDC protein (p.Thr1663Arg). In summary, the available evidence is currently insufficient to determine the role of this variant in disease. Therefore, it has been classified as a Variant of Uncertain Significance. Experimental studies and prediction algorithms are not available or were not evaluated, and the functional significance of this variant is currently unknown. This variant has not been reported in the literature in individuals affected with PRKDC-related conditions. This variant is not present in population databases (gnomAD no frequency).

NM_006904.7(PRKDC):c.4988C>G (p.Thr1663Arg)

Gene: PRKDC (protein kinase, DNA-activated, catalytic subunit; minus strand). Cytogenetic location: 8q11.21.
Variant type: single nucleotide variant.
Coding change: c.4988C>G on transcript NM_006904.7 (MANE Select); coding-DNA position 4988, C replaced by G.
Protein change: p.Thr1663Arg; replaces threonine 1663 with arginine.
Molecular consequence: missense variant.
Genome position (GRCh38, 1-based): chr8:47,881,495, G>C on the plus strand (C>G on the coding strand, the complement: PRKDC is on the minus strand). VCF-style: chr8-47881495-G-C. GRCh37 (hg19) VCF-style: chr8-48794056-G-C.
Other names: c.4988C>G, p.Thr1663Arg (NM_001081640.2); short protein forms T1663R.
Identifiers: ClinVar variation 2132646 (VCV002132646.4), dbSNP rs2551872561, ClinGen allele CA371140041.
Genomic context (GRCh38, chr8:47,881,495, plus strand): 5'-TTTGTGTCAGCAAGTAGACTAATATATGTTGTAAAGACTTCAGGGAATGAACCATGACTT[G>C]TATTAAAAGATACAGATGAATCAATCTAAAGGAAGGAAAAGAAAAACAGGACACATTTGT-3'
Protein context (NP_008835.5, residues 1653-1673): LQIDSSVSFN[Thr1663Arg]SHGSFPEVFT